The following is an entry in ClinVar:

ClinVar aggregate classification (germline): Likely benign. Review status: criteria provided, multiple submitters, no conflicts (2 of 4 stars). 3 submissions from 3 submitters: Likely benign (3). Last evaluated 2026-09-01.

Conditions:
Early-infantile DEE. Also called: Early infantile epileptic encephalopathy; Ohtahara syndrome; Early infantile epileptic encephalopathy with suppression bursts. Identifiers: Orphanet 1934, MedGen C0393706, MONDO:0800491.
HCN1-related disorder. Also called: HCN1-related disorders; HCN1-related condition.

Allele frequency attached by ClinVar (database versions not stated): gnomAD exomes below 0.00001 and 0.00002; ExAC 0.00002; gnomAD 0.00002; TOPMed 0.00002.
gnomAD v4.1: 8 of 1,613,550 alleles (0.0005%); highest among the groups gnomAD compares: Admixed American, 0.012%; no homozygotes.

Submissions (3):

CeGaT Center for Human Genetics Tuebingen
Classification: Likely benign. Last evaluated: 2026-09-01. Review status: criteria provided, single submitter. Criteria: CeGaT Center For Human Genetics Tuebingen Variant Classification Criteria Version 2. Collection method: clinical testing. Allele origin: germline. Affected: yes. Observed: 1 variant allele.
Comment: HCN1: BP4, BP7

PreventionGenetics, part of Exact Sciences
Classification: Likely benign for HCN1-related condition. Last evaluated: 2025-09-11. Review status: criteria provided, single submitter. Criteria: ACMG Guidelines, 2015. Collection method: clinical testing. Allele origin: germline.
Comment: This variant is classified as likely benign based on ACMG/AMP sequence variant interpretation guidelines (Richards et al. 2015 PMID: 25741868, with internal and published modifications).

Labcorp Genetics (formerly Invitae), Labcorp
Classification: Likely benign for Early-infantile DEE. Last evaluated: 2025-05-27. Review status: criteria provided, single submitter. Criteria: Invitae Variant Classification Sherloc (09022015). Collection method: clinical testing. Allele origin: germline.

NM_021072.4(HCN1):c.573C>A (p.Ile191=)

Gene: HCN1 (hyperpolarization activated cyclic nucleotide gated potassium channel 1; minus strand). Cytogenetic location: 5p12.
Variant type: single nucleotide variant.
Coding change: c.573C>A on transcript NM_021072.4 (MANE Select); coding-DNA position 573, C replaced by A.
Protein change: p.Ile191=; no amino-acid change (isoleucine 191 retained).
Molecular consequence: synonymous variant.
Genome position (GRCh38, 1-based): chr5:45,645,461, G>T on the plus strand (C>A on the coding strand, the complement: HCN1 is on the minus strand). VCF-style: chr5-45645461-G-T. GRCh37 (hg19) VCF-style: chr5-45645563-G-T.
Other names: c.573C>A (NM_021072.3).
Identifiers: ClinVar variation 1090986 (VCV001090986.12), dbSNP rs771244051, ClinGen allele CA3259430.